The following is an entry in ClinVar:

NM_021625.5(TRPV4):c.386+10G>A

Gene: TRPV4 (transient receptor potential cation channel subfamily V member 4; minus strand). Cytogenetic location: 12q24.11.
Variant type: single nucleotide variant.
Coding change: c.386+10G>A on transcript NM_021625.5 (MANE Select); 10 bases into the intron after coding-DNA position 386, G replaced by A.
Molecular consequence: intron variant.
Genome position (GRCh38, 1-based): chr12:109,814,401, C>T on the plus strand (G>A on the coding strand, the complement: TRPV4 is on the minus strand). VCF-style: chr12-109814401-C-T. GRCh37 (hg19) VCF-style: chr12-110252206-C-T.
Other names: c.386+10G>A (NM_001177433.1, NM_001177428.1, NM_147204.2); c.284+10G>A (NM_001177431.1).
Identifiers: ClinVar variation 1652714 (VCV001652714.9), dbSNP rs373979504, ClinGen allele CA6780570.

ClinVar aggregate classification (germline): Likely benign. Review status: criteria provided, multiple submitters, no conflicts (2 of 4 stars). 2 submissions from 2 submitters: Likely benign (2). Last evaluated 2025-12-20.

Conditions:
TRPV4-related disorder. Also called: TRPV4-related disorders; TRPV4-related condition.
Charcot-Marie-Tooth disease axonal type 2C (HMSN2C). Also called: CHARCOT-MARIE-TOOTH DISEASE, AXONAL, AUTOSOMAL DOMINANT, TYPE 2C; Charcot-Marie-Tooth Neuropathy Type 2C; Charcot-Marie-Tooth Disease Type 2, TRPV4-Related (CMT2C). Identifiers: Orphanet 99937, MedGen C1853710, MONDO:0011633, OMIM 606071.

Allele frequency attached by ClinVar (database versions not stated): ESP Exome Variant Server 0.00023; gnomAD exomes 0.00003 and 0.00001; ExAC 0.00005; gnomAD 0.00011 and 0.00013; TOPMed 0.00008.
gnomAD v4.1: 30 of 1,613,550 alleles (0.0019%); highest among the groups gnomAD compares: African/African-American, 0.036%; no homozygotes.

Submissions (2):

Labcorp Genetics (formerly Invitae), Labcorp
Classification: Likely benign for Charcot-Marie-Tooth disease axonal type 2C. Last evaluated: 2025-12-20. Review status: criteria provided, single submitter. Criteria: Invitae Variant Classification Sherloc (09022015). Collection method: clinical testing. Allele origin: germline.

PreventionGenetics, part of Exact Sciences
Classification: Likely benign for TRPV4-related condition. Last evaluated: 2025-06-03. Review status: criteria provided, single submitter. Criteria: ACMG Guidelines, 2015. Collection method: clinical testing. Allele origin: germline.
Comment: This variant is classified as likely benign based on ACMG/AMP sequence variant interpretation guidelines (Richards et al. 2015 PMID: 25741868, with internal and published modifications).